The following is an entry in ClinVar:

ClinVar aggregate classification (germline): Conflicting classifications of pathogenicity. Review status: criteria provided, conflicting classifications (1 of 4 stars). 3 submissions from 3 submitters: Uncertain significance (1); Likely benign (1). 1 of the submissions does not count toward it. Last evaluated 2024-06-04.

Conditions:
XIRP2-related disorder. Also called: XIRP2-related condition.

Allele frequency attached by ClinVar (database versions not stated): 1000 Genomes Project 0.00040; 1000 Genomes Project 30x 0.00062; gnomAD 0.00101 and 0.00103; ESP Exome Variant Server 0.00109; gnomAD exomes 0.00114; ExAC 0.00115; TOPMed 0.00119.
gnomAD v4.1: 2,358 of 1,613,614 alleles (0.15%); highest among the groups gnomAD compares: Middle Eastern, 0.25%; 5 homozygotes.

Submissions (3):

Ambry Genetics
Classification: Uncertain significance. Last evaluated: 2024-06-04. Review status: criteria provided, single submitter. Criteria: Ambry Variant Classification Scheme 2023. Collection method: clinical testing. Allele origin: germline.

Labcorp Genetics (formerly Invitae), Labcorp
Classification: Likely benign. Last evaluated: 2019-12-31. Review status: criteria provided, single submitter. Criteria: Invitae Variant Classification Sherloc (09022015). Collection method: clinical testing. Allele origin: germline.

PreventionGenetics, part of Exact Sciences
Classification: Likely benign for XIRP2-related condition. Last evaluated: 2022-02-03. Review status: no assertion criteria provided. Collection method: clinical testing. Allele origin: germline. Not counted in ClinVar's aggregate classification.
Comment: This variant is classified as likely benign based on ACMG/AMP sequence variant interpretation guidelines (Richards et al. 2015 PMID: 25741868, with internal and published modifications).

NM_152381.6(XIRP2):c.7799G>A (p.Gly2600Glu)

Gene: XIRP2 (xin actin binding repeat containing 2; plus strand). Cytogenetic location: 2q24.3.
Variant type: single nucleotide variant.
Coding change: c.7799G>A on transcript NM_152381.6 (MANE Select); coding-DNA position 7799, G replaced by A.
Protein change: p.Gly2600Glu; replaces glycine 2600 with glutamic acid.
Molecular consequence: missense variant. On other transcripts: intron variant (3).
Genome position (GRCh38, 1-based): chr2:167,249,191, G>A. VCF-style: chr2-167249191-G-A. GRCh37 (hg19) VCF-style: chr2-168105701-G-A.
Other names: c.7133G>A, p.Gly2378Glu (NM_001199144.2); c.1276-4841G>A (NM_001199143.2); c.1177-4841G>A (NM_001079810.4); c.511-4841G>A (NM_001199145.2); c.7799G>A (NM_152381.5); short protein forms G2378E, G2600E.
Identifiers: ClinVar variation 715398 (VCV000715398.10), dbSNP rs141843026, ClinGen allele CA1947694.